The following is an entry in ClinVar:

ClinVar aggregate classification (germline): Likely benign (1 of 4 stars; one submission).

Conditions:
DRC4-related condition.

gnomAD v4.1: 1 of 1,611,472 alleles (0.000062%); highest among the groups gnomAD compares: Non-Finnish European, 0.000085%; no homozygotes.

Submission:

PreventionGenetics, part of Exact Sciences
Classification: Likely benign for DRC4-related condition. Last evaluated: 2026-03-10. Review status: criteria provided, single submitter. Criteria: ACMG Guidelines, 2015. Collection method: clinical testing. Allele origin: germline.
Comment: This variant is classified as likely benign based on ACMG/AMP sequence variant interpretation guidelines (Richards et al. 2015 PMID: 25741868, with internal and published modifications).

NM_001481.3(DRC4):c.1099C>T (p.Leu367=)

Gene: DRC4 (dynein regulatory complex subunit 4; plus strand). Cytogenetic location: 16q24.3.
Variant type: single nucleotide variant.
Coding change: c.1099C>T on transcript NM_001481.3 (MANE Select); coding-DNA position 1099, C replaced by T.
Protein change: p.Leu367=; no amino-acid change (leucine 367 retained).
Molecular consequence: synonymous variant. On other transcripts: non-coding transcript variant (1).
Genome position (GRCh38, 1-based): chr16:90,040,387, C>T. VCF-style: chr16-90040387-C-T. GRCh37 (hg19) VCF-style: chr16-90106795-C-T.
Other names: c.850C>T, p.Leu284= (NM_001286205.2); c.523C>T, p.Leu175= (NM_001286208.2); c.1024C>T, p.Leu342= (NM_001286209.2).
Identifiers: ClinVar variation 4987122 (VCV004987122.1).